The following is an entry in ClinVar:

NM_025099.6(CTC1):c.1019C>T (p.Ser340Leu)

Gene: CTC1 (CST telomere replication complex component 1; minus strand). Cytogenetic location: 17p13.1.
Variant type: single nucleotide variant.
Coding change: c.1019C>T on transcript NM_025099.6 (MANE Select); coding-DNA position 1019, C replaced by T.
Protein change: p.Ser340Leu; replaces serine 340 with leucine.
Molecular consequence: missense variant. On other transcripts: non-coding transcript variant (1).
Genome position (GRCh38, 1-based): chr17:8,236,116, G>A on the plus strand (C>T on the coding strand, the complement: CTC1 is on the minus strand). VCF-style: chr17-8236116-G-A. GRCh37 (hg19) VCF-style: chr17-8139434-G-A.
Other names: c.1019C>T, p.Ser340Leu (NM_001411067.1); short protein forms S340L.
Identifiers: ClinVar variation 2025967 (VCV002025967.3), dbSNP rs771874794, ClinGen allele CA287537458.

ClinVar aggregate classification (germline): Uncertain significance (1 of 4 stars; one submission).

Conditions:
Dyskeratosis congenita. Identifiers: Orphanet 1775, MedGen C0265965, MONDO:0015780.

Submission:

Labcorp Genetics (formerly Invitae), Labcorp
Classification: Uncertain significance for Dyskeratosis congenita. Last evaluated: 2022-10-17. Review status: criteria provided, single submitter. Criteria: Invitae Variant Classification Sherloc (09022015). Collection method: clinical testing. Allele origin: germline.
Comment: This sequence change replaces serine, which is neutral and polar, with leucine, which is neutral and non-polar, at codon 340 of the CTC1 protein (p.Ser340Leu). This variant is present in population databases (no rsID available, gnomAD 0.01%). This variant has not been reported in the literature in individuals affected with CTC1-related conditions. Advanced modeling of protein sequence and biophysical properties (such as structural, functional, and spatial information, amino acid conservation, physicochemical variation, residue mobility, and thermodynamic stability) performed at Invitae indicates that this missense variant is not expected to disrupt CTC1 protein function. In summary, the available evidence is currently insufficient to determine the role of this variant in disease. Therefore, it has been classified as a Variant of Uncertain Significance.